The following is an entry in ClinVar:

ClinVar aggregate classification (germline): Benign/Likely benign. Review status: criteria provided, multiple submitters, no conflicts (2 of 4 stars). 3 submissions from 3 submitters: Benign (2); Likely benign (1). Last evaluated 2024-01-01.

Allele frequency attached by ClinVar (database versions not stated): 1000 Genomes Project 0.00120; 1000 Genomes Project 30x 0.00125; ExAC 0.00298; gnomAD exomes 0.00326; gnomAD 0.00333 and 0.00346; TOPMed 0.00368; ESP Exome Variant Server 0.00438.
gnomAD v4.1: 6,646 of 1,613,016 alleles (0.41%); highest among the groups gnomAD compares: Non-Finnish European, 0.47%; 24 homozygotes.

Submissions (3):

CeGaT Center for Human Genetics Tuebingen
Classification: Likely benign. Last evaluated: 2024-01-01. Review status: criteria provided, single submitter. Criteria: CeGaT Center For Human Genetics Tuebingen Variant Classification Criteria Version 2. Collection method: clinical testing. Allele origin: germline. Affected: yes. Observed: 1 variant allele.
Comment: HSPH1: BP4, BS2

Labcorp Genetics (formerly Invitae), Labcorp
Classification: Benign. Last evaluated: 2019-12-31. Review status: criteria provided, single submitter. Criteria: Invitae Variant Classification Sherloc (09022015). Collection method: clinical testing. Allele origin: germline.

Breakthrough Genomics
Classification: Benign. Review status: criteria provided, single submitter. Criteria: ACMG Guidelines, 2015. Collection method: not provided. Allele origin: germline. Inheritance: Unknown mechanism. Affected: yes.

NM_006644.4(HSPH1):c.2342G>A (p.Arg781His)

Gene: HSPH1 (heat shock protein family H (Hsp110) member 1; minus strand). Cytogenetic location: 13q12.3.
Variant type: single nucleotide variant.
Coding change: c.2342G>A on transcript NM_006644.4 (MANE Select); coding-DNA position 2342, G replaced by A.
Protein change: p.Arg781His; replaces arginine 781 with histidine.
Molecular consequence: missense variant.
Genome position (GRCh38, 1-based): chr13:31,138,435, C>T on the plus strand (G>A on the coding strand, the complement: HSPH1 is on the minus strand). VCF-style: chr13-31138435-C-T. GRCh37 (hg19) VCF-style: chr13-31712572-C-T.
Other names: c.2210G>A, p.Arg737His (NM_001286503.2); c.2348G>A, p.Arg783His (NM_001286504.1); c.2114G>A, p.Arg705His (NM_001286505.1); c.2342G>A, p.Arg781His (NM_001349704.2); short protein forms R705H, R737H, R781H, R783H.
Identifiers: ClinVar variation 782784 (VCV000782784.27), dbSNP rs73171026, ClinGen allele CA6935636.